The following is an entry in ClinVar:

ClinVar aggregate classification (germline): Uncertain significance (1 of 4 stars; one submission).

Submission:

Ambry Genetics
Classification: Uncertain significance. Last evaluated: 2023-01-16. Review status: criteria provided, single submitter. Criteria: Ambry Variant Classification Scheme 2023. Collection method: clinical testing. Allele origin: germline.
Comment: The p.M99L variant (also known as c.295A>T), located in coding exon 5 of the NPAT gene, results from an A to T substitution at nucleotide position 295. The methionine at codon 99 is replaced by leucine, an amino acid with highly similar properties. This amino acid position is conserved. In addition, this alteration is predicted to be tolerated by in silico analysis. Since supporting evidence is limited at this time, the clinical significance of this alteration remains unclear.

NM_002519.3(NPAT):c.295A>T (p.Met99Leu)

Gene: NPAT (nuclear protein, coactivator of histone transcription; minus strand). Cytogenetic location: 11q22.3.
Variant type: single nucleotide variant.
Coding change: c.295A>T on transcript NM_002519.3 (MANE Select); coding-DNA position 295, A replaced by T.
Protein change: p.Met99Leu; replaces methionine 99 with leucine.
Molecular consequence: missense variant.
Genome position (GRCh38, 1-based): chr11:108,190,496, T>A on the plus strand (A>T on the coding strand, the complement: NPAT is on the minus strand). VCF-style: chr11-108190496-T-A. GRCh37 (hg19) VCF-style: chr11-108061223-T-A.
Other names: c.295A>T, p.Met99Leu (NM_001321307.1); short protein forms M99L.
Identifiers: ClinVar variation 2453775 (VCV002453775.2), dbSNP rs748925664, ClinGen allele CA382526363.